The following is an entry in ClinVar:

ClinVar aggregate classification (germline): Uncertain significance (1 of 4 stars; one submission).

Submission:

Ambry Genetics
Classification: Uncertain significance. Last evaluated: 2025-08-23. Review status: criteria provided, single submitter. Criteria: Ambry Variant Classification Scheme 2023. Collection method: clinical testing. Allele origin: germline.
Comment: The p.L1383P variant (also known as c.4148T>C), located in coding exon 14 of the CDK12 gene, results from a T to C substitution at nucleotide position 4148. The leucine at codon 1383 is replaced by proline, an amino acid with similar properties. This amino acid position is conserved. In addition, the in silico prediction for this alteration is inconclusive. Based on the available evidence, the clinical significance of this variant remains unclear.

NM_016507.4(CDK12):c.4148T>C (p.Leu1383Pro)

Gene: CDK12 (cyclin dependent kinase 12; plus strand). Cytogenetic location: 17q12.
Variant type: single nucleotide variant.
Coding change: c.4148T>C on transcript NM_016507.4 (MANE Select); coding-DNA position 4148, T replaced by C.
Protein change: p.Leu1383Pro; replaces leucine 1383 with proline.
Molecular consequence: missense variant.
Genome position (GRCh38, 1-based): chr17:39,530,991, T>C. VCF-style: chr17-39530991-T-C. GRCh37 (hg19) VCF-style: chr17-37687244-T-C.
Other names: c.4121T>C, p.Leu1374Pro (NM_015083.4); short protein forms L1374P, L1383P.
Identifiers: ClinVar variation 4224413 (VCV004224413.1).